The following is an entry in ClinVar:

ClinVar aggregate classification (germline): Benign. Review status: criteria provided, multiple submitters, no conflicts (2 of 4 stars). 3 submissions from 3 submitters: Benign (3). Last evaluated 2022-05-20.

Submissions (3):

Mayo Clinic Laboratories, Mayo Clinic
Classification: Benign. Last evaluated: 2022-05-20. Review status: criteria provided, single submitter. Criteria: ACMG Guidelines, 2015. Collection method: clinical testing. Allele origin: germline. Observed: 378 variant alleles.
Comment: BS1, BS2, BP4, BP7

GeneDx
Classification: Benign. Last evaluated: 2019-08-16. Review status: criteria provided, single submitter. Criteria: GeneDx Variant Classification Process June 2021. Collection method: clinical testing. Allele origin: germline. Affected: yes.

Labcorp Genetics (formerly Invitae), Labcorp
Classification: Benign. Last evaluated: 2018-07-02. Review status: criteria provided, single submitter. Criteria: Invitae Variant Classification Sherloc (09022015). Collection method: clinical testing. Allele origin: germline.

NM_000722.4(CACNA2D1):c.659-3del

Gene: CACNA2D1 (calcium voltage-gated channel auxiliary subunit alpha2delta 1; minus strand). Cytogenetic location: 7q21.11.
Variant type: Deletion.
Coding change: c.659-3del on transcript NM_000722.4 (MANE Select); 3 bases into the intron before coding-DNA position 659, one base deleted (T; older notation c.659-3delT).
Molecular consequence: intron variant.
Genome position (GRCh38, 1-based): chr7:82,066,527, A deleted on the plus strand (T on the coding strand, the reverse complement: CACNA2D1 is on the minus strand); the first of 16 consecutive A bases (chr7:82,066,527-82,066,542); deleting any one gives the same sequence. VCF-style (leftmost placement, unchanged base first): chr7-82066526-TA-T. GRCh37 (hg19) VCF-style: chr7-81695842-TA-T.
Other names: p.?; c.659-3del (NM_001366867.1, NM_001302890.2, LRG_437t1).
Identifiers: ClinVar variation 416576 (VCV000416576.7), dbSNP rs370103843, ClinGen allele CA4318268.